The following is an entry in ClinVar:

NM_002473.6(MYH9):c.4902C>G (p.Asp1634Glu)

Gene: MYH9 (myosin heavy chain 9; minus strand). Cytogenetic location: 22q12.3.
Variant type: single nucleotide variant.
Coding change: c.4902C>G on transcript NM_002473.6 (MANE Select); coding-DNA position 4902, C replaced by G.
Protein change: p.Asp1634Glu; replaces aspartic acid 1634 with glutamic acid.
Molecular consequence: missense variant.
Genome position (GRCh38, 1-based): chr22:36,288,282, G>C on the plus strand (C>G on the coding strand, the complement: MYH9 is on the minus strand). VCF-style: chr22-36288282-G-C. GRCh37 (hg19) VCF-style: chr22-36684328-G-C.
Other names: short protein forms D1634E.
Identifiers: ClinVar variation 4805557 (VCV004805557.1).

ClinVar aggregate classification (germline): Uncertain significance (1 of 4 stars; one submission).

gnomAD v4.1: 1 of 1,614,054 alleles (0.000062%); highest among the groups gnomAD compares: South Asian, 0.0011%; no homozygotes.

Submission:

Labcorp Genetics (formerly Invitae), Labcorp
Classification: Uncertain significance. Last evaluated: 2025-06-30. Review status: criteria provided, single submitter. Criteria: Invitae Variant Classification Sherloc (09022015). Collection method: clinical testing. Allele origin: germline.
Comment: This sequence change replaces aspartic acid, which is acidic and polar, with glutamic acid, which is acidic and polar, at codon 1634 of the MYH9 protein (p.Asp1634Glu). This variant is not present in population databases (gnomAD no frequency). This variant has not been reported in the literature in individuals affected with MYH9-related conditions. Invitae Evidence Modeling of protein sequence and biophysical properties (such as structural, functional, and spatial information, amino acid conservation, physicochemical variation, residue mobility, and thermodynamic stability) indicates that this missense variant is not expected to disrupt MYH9 protein function with a negative predictive value of 95%. In summary, the available evidence is currently insufficient to determine the role of this variant in disease. Therefore, it has been classified as a Variant of Uncertain Significance.